The following is an entry in ClinVar:

ClinVar aggregate classification (germline): Pathogenic. Review status: criteria provided, multiple submitters, no conflicts (2 of 4 stars). 2 submissions from 2 submitters: Pathogenic (2). Last evaluated 2025-06-14.

Conditions:
RNASEH2A-related disorder. Also called: RNASEH2A-related condition.
Aicardi-Goutieres syndrome 4. Identifiers: Orphanet 51, MedGen C1835912, MONDO:0012472, OMIM 610333.

Submissions (2):

Labcorp Genetics (formerly Invitae), Labcorp
Classification: Pathogenic for Aicardi-Goutieres syndrome 4. Last evaluated: 2025-06-14. Review status: criteria provided, single submitter. Criteria: Invitae Variant Classification Sherloc (09022015). Collection method: clinical testing. Allele origin: germline.
Comment: This sequence change creates a premature translational stop signal (p.Glu197Argfs*24) in the RNASEH2A gene. It is expected to result in an absent or disrupted protein product. Loss-of-function variants in RNASEH2A are known to be pathogenic (PMID: 21454563, 25274781). This variant is present in population databases (rs781284373, gnomAD 0.05%). This premature translational stop signal has been observed in individual(s) with a neurological phenotype (PMID: 25604658). This variant is also known as p.Glu197Argfs*23. ClinVar contains an entry for this variant (Variation ID: 636354). For these reasons, this variant has been classified as Pathogenic.

Blueprint Genetics
Classification: Pathogenic for RNASEH2A-related disorders. Last evaluated: 2024-06-17. Review status: criteria provided, single submitter. Criteria: ACMG Guidelines, 2015. Collection method: clinical testing. Allele origin: germline. Affected: yes. Observed: 5 variant alleles.

Literature cited by the submitters: PubMed 21454563 (cited by Labcorp Genetics (formerly Invitae), Labcorp); PubMed 25274781 (cited by Labcorp Genetics (formerly Invitae), Labcorp); PubMed 25604658 (cited by Labcorp Genetics (formerly Invitae), Labcorp).

NM_006397.3(RNASEH2A):c.589del (p.Glu197fs)

Gene: RNASEH2A (ribonuclease H2 subunit A; plus strand). Cytogenetic location: 19p13.13.
Variant type: Deletion.
Coding change: c.589del on transcript NM_006397.3 (MANE Select); coding-DNA position 589, one base deleted (G; older notation c.589delG).
Protein change: p.Glu197fs; shifts the reading frame from glutamic acid 197.
Molecular consequence: frameshift variant.
Genome position (GRCh38, 1-based): chr19:12,810,356, G deleted; the last of 2 consecutive G bases (chr19:12,810,355-12,810,356); deleting either gives the same sequence. VCF-style (leftmost placement, unchanged base first): chr19-12810354-TG-T. GRCh37 (hg19) VCF-style: chr19-12921168-TG-T.
Other names: c.589delG (NM_006397.2); short protein forms E197fs.
Identifiers: ClinVar variation 636354 (VCV000636354.6), dbSNP rs781284373, ClinGen allele CA9231966.